The following is an entry in ClinVar:

ClinVar aggregate classification (germline): Conflicting classifications of pathogenicity. Review status: criteria provided, conflicting classifications (1 of 4 stars). 4 submissions from 4 submitters: Uncertain significance (3); Likely benign (1). Last evaluated 2025-10-29.

Conditions:
Hereditary cancer-predisposing syndrome. Also called: Hereditary Cancer Syndrome; Hereditary neoplastic syndrome; Neoplastic Syndromes, Hereditary; Tumor predisposition. Identifiers: Orphanet 140162, MedGen C0027672, MeSH D009386, MONDO:0015356.
Hereditary breast ovarian cancer syndrome. Also called: Hereditary breast and ovarian cancer; Breast and ovarian cancer; Hereditary breast and ovarian cancer syndrome; Hereditary breast and/or ovarian cancer syndrome; BRCA1- and BRCA2-Associated Hereditary Breast and Ovarian Cancer; Hereditary breast and ovarian cancer syndrome (HBOC). Identifiers: Orphanet 145, MedGen C0677776, MeSH D061325, MONDO:0003582. Disease mechanism: loss of function.

gnomAD v4.1: 2 of 1,614,018 alleles (0.00012%); highest among the groups gnomAD compares: South Asian, 0.0011%; no homozygotes.

Submissions (4):

Ambry Genetics
Classification: Uncertain significance for Hereditary cancer-predisposing syndrome. Last evaluated: 2025-10-29. Review status: criteria provided, single submitter. Criteria: Ambry Variant Classification Scheme 2023. Collection method: clinical testing. Allele origin: germline.
Comment: The p.H2251R variant (also known as c.6752A>G), located in coding exon 10 of the BRCA2 gene, results from an A to G substitution at nucleotide position 6752. The histidine at codon 2251 is replaced by arginine, an amino acid with highly similar properties. This amino acid position is not well conserved in available vertebrate species. In addition, the in silico prediction for this alteration is inconclusive. Since supporting evidence is limited at this time, the clinical significance of this alteration remains unclear.

Labcorp Genetics (formerly Invitae), Labcorp
Classification: Uncertain significance for Hereditary breast ovarian cancer syndrome. Last evaluated: 2023-12-16. Review status: criteria provided, single submitter. Criteria: Invitae Variant Classification Sherloc (09022015). Collection method: clinical testing. Allele origin: germline.
Comment: This sequence change replaces histidine, which is basic and polar, with arginine, which is basic and polar, at codon 2251 of the BRCA2 protein (p.His2251Arg). This variant is not present in population databases (gnomAD no frequency). This variant has not been reported in the literature in individuals affected with BRCA2-related conditions. ClinVar contains an entry for this variant (Variation ID: 441472). Advanced modeling of protein sequence and biophysical properties (such as structural, functional, and spatial information, amino acid conservation, physicochemical variation, residue mobility, and thermodynamic stability) performed at Invitae indicates that this missense variant is not expected to disrupt BRCA2 protein function with a negative predictive value of 95%. In summary, the available evidence is currently insufficient to determine the role of this variant in disease. Therefore, it has been classified as a Variant of Uncertain Significance.

University of Washington Department of Laboratory Medicine, University of Washington
Classification: Likely benign for Hereditary cancer-predisposing syndrome. Last evaluated: 2023-03-23. Review status: criteria provided, single submitter. Criteria: Dines et al. (Genet Med. 2020). Collection method: curation. Allele origin: germline.
Comment: Missense variant in a coldspot region where missense variants are very unlikely to be pathogenic (PMID:31911673).

BRCA2 exon 11 coldspot. Reclassification based on statistical prior probability.

GeneDx
Classification: Uncertain significance. Last evaluated: 2019-10-28. Review status: criteria provided, single submitter. Criteria: GeneDx Variant Classification Process June 2021. Collection method: clinical testing. Allele origin: germline. Affected: yes.
Comment: Has not been previously published as pathogenic or benign to our knowledge; Not observed in large population cohorts (Lek 2016); In silico analysis, which includes protein predictors and evolutionary conservation, supports that this variant does not alter protein structure/function; Also known as 6980A>G

NM_000059.4(BRCA2):c.6752A>G (p.His2251Arg)

Gene: BRCA2 (BRCA2 DNA repair associated; plus strand). Cytogenetic location: 13q13.1.
Variant type: single nucleotide variant.
Coding change: c.6752A>G on transcript NM_000059.4 (MANE Select); coding-DNA position 6752, A replaced by G.
Protein change: p.His2251Arg; replaces histidine 2251 with arginine.
Molecular consequence: missense variant.
Genome position (GRCh38, 1-based): chr13:32,341,107, A>G. VCF-style: chr13-32341107-A-G. GRCh37 (hg19) VCF-style: chr13-32915244-A-G.
Other names: short protein forms H2251R.
Identifiers: ClinVar variation 441472 (VCV000441472.16), dbSNP rs1555284844, ClinGen allele CA387791145.